The following is an entry in ClinVar:

ClinVar aggregate classification (germline): Likely benign (1 of 4 stars; one submission).

Conditions:
Pyridoxal phosphate-responsive seizures (PNPOD). Also called: Pyridoxal 5'-Phosphate (PLP)-Dependent Epilepsy; EPILEPTIC ENCEPHALOPATHY, NEONATAL, PNPO-RELATED; Pyridoxamine 5-Prime-Phosphate Oxidase Deficiency; Pyridoxine-5'-phosphate oxidase deficiency; SEIZURES, PYRIDOXINE-RESISTANT, PLP-SENSITIVE. Identifiers: Orphanet 79096, MedGen C1864723, MONDO:0012407, OMIM 610090. Disease mechanism: loss of function.

Allele frequency attached by ClinVar (database versions not stated): gnomAD below 0.00001 and 0.00030; TOPMed 0.00007; gnomAD exomes 0.00136; 1000 Genomes Project 30x 0.00156; 1000 Genomes Project 0.00180.

Submission:

Illumina Laboratory Services, Illumina
Classification: Likely benign for Pyridoxal phosphate-responsive seizures. Last evaluated: 2018-01-13. Review status: criteria provided, single submitter. Criteria: ICSL Variant Classification Criteria 13 December 2019. Collection method: clinical testing. Allele origin: germline.
Comment: This variant was observed in the ICSL laboratory as part of a predisposition screen in an ostensibly healthy population. It had not been previously curated by ICSL or reported in the Human Gene Mutation Database (HGMD: prior to June 1st, 2018), and was therefore a candidate for classification through an automated scoring system. Utilizing variant allele frequency, disease prevalence and penetrance estimates, and inheritance mode, an automated score was calculated to assess if this variant is too frequent to cause the disease. Based on the score and internal cut-off values, a variant classified as likely benign is not then subjected to further curation. The score for this variant resulted in a classification of likely benign for this disease.

NM_018129.4(PNPO):c.*301C>A

Gene: PNPO (pyridoxamine 5'-phosphate oxidase; plus strand). Cytogenetic location: 17q21.32.
Variant type: single nucleotide variant.
Coding change: c.*301C>A on transcript NM_018129.4 (MANE Select); 301 bases downstream of the stop codon, C replaced by A.
Molecular consequence: 3 prime UTR variant.
Genome position (GRCh38, 1-based): chr17:47,947,083, C>A. VCF-style: chr17-47947083-C-A. GRCh37 (hg19) VCF-style: chr17-46024449-C-A.
Identifiers: ClinVar variation 323916 (VCV000323916.5), dbSNP rs540606185, ClinGen allele CA10649581.